The following is an entry in ClinVar:

ClinVar aggregate classification (germline): Uncertain significance (1 of 4 stars; one submission).

Conditions:
Cardiovascular phenotype. Identifiers: MedGen CN230736.

Submission:

Ambry Genetics
Classification: Uncertain significance for Cardiovascular phenotype. Last evaluated: 2022-11-20. Review status: criteria provided, single submitter. Criteria: Ambry Variant Classification Scheme 2023. Collection method: clinical testing. Allele origin: germline.
Comment: The p.F710Y variant (also known as c.2129T>A), located in coding exon 15 of the APOB gene, results from a T to A substitution at nucleotide position 2129. The phenylalanine at codon 710 is replaced by tyrosine, an amino acid with highly similar properties. This amino acid position is conserved. In addition, the in silico prediction for this alteration is inconclusive. Since supporting evidence is limited at this time, the clinical significance of this alteration remains unclear.

NM_000384.3(APOB):c.2129T>A (p.Phe710Tyr)

Gene: APOB (apolipoprotein B; minus strand). Cytogenetic location: 2p24.1.
Variant type: single nucleotide variant.
Coding change: c.2129T>A on transcript NM_000384.3 (MANE Select); coding-DNA position 2129, T replaced by A.
Protein change: p.Phe710Tyr; replaces phenylalanine 710 with tyrosine.
Molecular consequence: missense variant.
Genome position (GRCh38, 1-based): chr2:21,026,903, A>T on the plus strand (T>A on the coding strand, the complement: APOB is on the minus strand). VCF-style: chr2-21026903-A-T. GRCh37 (hg19) VCF-style: chr2-21249775-A-T.
Other names: short protein forms F710Y.
Identifiers: ClinVar variation 2451291 (VCV002451291.2), dbSNP rs2465417074, ClinGen allele CA346013294.